The following is an entry in ClinVar:

NM_001197104.2(KMT2A):c.1672T>C (p.Ser558Pro)

Gene: KMT2A (lysine methyltransferase 2A; plus strand). Cytogenetic location: 11q23.3.
Variant type: single nucleotide variant.
Coding change: c.1672T>C on transcript NM_001197104.2 (MANE Select); coding-DNA position 1672, T replaced by C.
Protein change: p.Ser558Pro; replaces serine 558 with proline.
Molecular consequence: missense variant.
Genome position (GRCh38, 1-based): chr11:118,472,831, T>C. VCF-style: chr11-118472831-T-C. GRCh37 (hg19) VCF-style: chr11-118343546-T-C.
Other names: c.1771T>C, p.Ser591Pro (NM_001412597.1); c.1672T>C, p.Ser558Pro (NM_005933.4); short protein forms S558P, S591P.
Identifiers: ClinVar variation 1919326 (VCV001919326.6), dbSNP rs1352890108, ClinGen allele CA382810644.

ClinVar aggregate classification (germline): Uncertain significance. Review status: criteria provided, multiple submitters, no conflicts (2 of 4 stars). 2 submissions from 2 submitters: Uncertain significance (2). Last evaluated 2025-09-25.

Conditions:
Inborn genetic diseases. Identifiers: MedGen C0950123, MeSH D030342.

Allele frequency attached by ClinVar (database versions not stated): TOPMed below 0.00001; gnomAD 0.00001.
gnomAD v4.1: 1 of 1,613,498 alleles (0.000062%); highest among the groups gnomAD compares: Non-Finnish European, 0.000085%; no homozygotes.

Submissions (2):

Ambry Genetics
Classification: Uncertain significance for Inborn genetic diseases. Last evaluated: 2025-09-25. Review status: criteria provided, single submitter. Criteria: Ambry Variant Classification Scheme 2023. Collection method: clinical testing. Allele origin: germline.

Labcorp Genetics (formerly Invitae), Labcorp
Classification: Uncertain significance. Last evaluated: 2024-07-31. Review status: criteria provided, single submitter. Criteria: Invitae Variant Classification Sherloc (09022015). Collection method: clinical testing. Allele origin: germline.
Comment: This sequence change replaces serine, which is neutral and polar, with proline, which is neutral and non-polar, at codon 558 of the KMT2A protein (p.Ser558Pro). This variant is not present in population databases (gnomAD no frequency). This variant has not been reported in the literature in individuals affected with KMT2A-related conditions. ClinVar contains an entry for this variant (Variation ID: 1919326). Advanced modeling of protein sequence and biophysical properties (such as structural, functional, and spatial information, amino acid conservation, physicochemical variation, residue mobility, and thermodynamic stability) has been performed at Invitae for this missense variant, however the output from this modeling did not meet the statistical confidence thresholds required to predict the impact of this variant on KMT2A protein function. In summary, the available evidence is currently insufficient to determine the role of this variant in disease. Therefore, it has been classified as a Variant of Uncertain Significance.